The following is an entry in ClinVar:

NM_173825.5(RABL3):c.355G>A (p.Val119Met)

Gene: RABL3 (RAB, member of RAS oncogene family like 3; minus strand). Cytogenetic location: 3q13.33.
Variant type: single nucleotide variant.
Coding change: c.355G>A on transcript NM_173825.5 (MANE Select); coding-DNA position 355, G replaced by A.
Protein change: p.Val119Met; replaces valine 119 with methionine.
Molecular consequence: missense variant. On other transcripts: non-coding transcript variant (1).
Genome position (GRCh38, 1-based): chr3:120,706,028, C>T on the plus strand (G>A on the coding strand, the complement: RABL3 is on the minus strand). VCF-style: chr3-120706028-C-T. GRCh37 (hg19) VCF-style: chr3-120424875-C-T.
Other names: c.355G>A, p.Val119Met (NM_001363964.1, NM_001363965.1); short protein forms V119M.
Identifiers: ClinVar variation 2628425 (VCV002628425.1), dbSNP rs1576335372, ClinGen allele CA354074458.

ClinVar aggregate classification (germline): Uncertain significance (1 of 4 stars; one submission).

Conditions:
RABL3-related disorder. Also called: RABL3-related condition.

Allele frequency attached by ClinVar (database versions not stated): gnomAD 0.00001.
gnomAD v4.1: 2 of 1,613,144 alleles (0.00012%); highest among the groups gnomAD compares: Non-Finnish European, 0.000085%; no homozygotes.

Submission:

PreventionGenetics, part of Exact Sciences
Classification: Uncertain significance for RABL3-related condition. Last evaluated: 2022-10-04. Review status: criteria provided, single submitter. Criteria: ACMG Guidelines, 2015. Collection method: clinical testing. Allele origin: germline.
Comment: The RABL3 c.355G>A variant is predicted to result in the amino acid substitution p.Val119Met. To our knowledge, this variant has not been reported in the literature or in a large population database, indicating this variant is rare. At this time, the clinical significance of this variant is uncertain due to the absence of conclusive functional and genetic evidence.